The following is an entry in ClinVar:

NM_152393.4(KLHL40):c.1034A>G (p.Asn345Ser)

Gene: KLHL40 (kelch like family member 40; plus strand). Cytogenetic location: 3p22.1.
Variant type: single nucleotide variant.
Coding change: c.1034A>G on transcript NM_152393.4 (MANE Select); coding-DNA position 1034, A replaced by G.
Protein change: p.Asn345Ser; replaces asparagine 345 with serine.
Molecular consequence: missense variant.
Genome position (GRCh38, 1-based): chr3:42,686,652, A>G. VCF-style: chr3-42686652-A-G. GRCh37 (hg19) VCF-style: chr3-42728144-A-G.
Other names: short protein forms N345S.
Identifiers: ClinVar variation 226688 (VCV000226688.19), dbSNP rs6805421, ClinGen allele CA2336786.

ClinVar aggregate classification (germline): Benign. Review status: criteria provided, multiple submitters, no conflicts (2 of 4 stars). 8 submissions from 8 submitters: Benign (8). Last evaluated 2026-02-04.

Conditions:
Nemaline myopathy 8 (NEM8). Also called: Nemaline myopathy 8, autosomal recessive. Identifiers: Orphanet 171430, MedGen C3809209, MONDO:0014138, OMIM 615348.

Allele frequency attached by ClinVar (database versions not stated): ESP Exome Variant Server 0.55990; TOPMed 0.56587; gnomAD 0.59704; 1000 Genomes Project 30x 0.61056; 1000 Genomes Project 0.62260; ExAC 0.64885; gnomAD exomes 0.65100.
gnomAD v4.1: 1,034,806 of 1,613,712 alleles (64%); highest among the groups gnomAD compares: East Asian, 80%; 335,292 homozygotes.

Submissions (8):

Labcorp Genetics (formerly Invitae), Labcorp
Classification: Benign for Nemaline myopathy 8. Last evaluated: 2026-02-04. Review status: criteria provided, single submitter. Criteria: Invitae Variant Classification Sherloc (09022015). Collection method: clinical testing. Allele origin: germline.

Blueprint Genetics
Classification: Benign. Last evaluated: 2024-11-26. Review status: criteria provided, single submitter. Criteria: ACMG Guidelines, 2015. Collection method: clinical testing. Allele origin: germline.

Genome-Nilou Lab
Classification: Benign for Nemaline myopathy 8. Last evaluated: 2021-08-19. Review status: criteria provided, single submitter. Criteria: ACMG Guidelines, 2015. Collection method: clinical testing. Allele origin: germline. Affected: no.

Mayo Clinic Laboratories, Mayo Clinic
Classification: Benign. Last evaluated: 2017-07-19. Review status: criteria provided, single submitter. Criteria: ACMG Guidelines, 2015. Collection method: clinical testing. Allele origin: germline. Observed: 396 variant alleles.

GeneDx
Classification: Benign. Last evaluated: 2015-03-03. Review status: criteria provided, single submitter. Criteria: GeneDx Variant Classification Process June 2021. Collection method: clinical testing. Allele origin: germline. Affected: yes.

Laboratory for Molecular Medicine, Mass General Brigham Personalized Medicine
Classification: Benign. Last evaluated: 2014-11-24. Review status: criteria provided, single submitter. Criteria: LMM Criteria. Collection method: clinical testing. Allele origin: germline. Observed: 8 variant alleles.
Comment: Asn345Ser in exon 1 of KLHL40: This variant is not expected to have clinical sig nificance because it has been identified in 41.5% (1828/4406) of African America n chromosomes from a broad population by the NHLBI Exome Sequencing Project (dbSNP rs6805421).

Breakthrough Genomics
Classification: Benign. Review status: criteria provided, single submitter. Criteria: ACMG Guidelines, 2015. Collection method: not provided. Allele origin: germline. Inheritance: Autosomal recessive inheritance. Affected: yes.

PreventionGenetics, part of Exact Sciences
Classification: Benign. Review status: criteria provided, single submitter. Criteria: ACMG Guidelines, 2015. Collection method: clinical testing. Allele origin: germline.